The following is an entry in ClinVar:

NM_013275.6(ANKRD11):c.1213C>T (p.Arg405Cys)

Gene: ANKRD11 (ankyrin repeat domain containing 11; minus strand). Cytogenetic location: 16q24.3.
Variant type: single nucleotide variant.
Coding change: c.1213C>T on transcript NM_013275.6 (MANE Select); coding-DNA position 1213, C replaced by T.
Protein change: p.Arg405Cys; replaces arginine 405 with cysteine.
Molecular consequence: missense variant.
Genome position (GRCh38, 1-based): chr16:89,285,329, G>A on the plus strand (C>T on the coding strand, the complement: ANKRD11 is on the minus strand). VCF-style: chr16-89285329-G-A. GRCh37 (hg19) VCF-style: chr16-89351737-G-A.
Other names: c.1213C>T, p.Arg405Cys (NM_001256182.2, NM_001256183.2); c.1213C>T (NM_013275.4); short protein forms R405C.
Identifiers: ClinVar variation 3055172 (VCV003055172.3), dbSNP rs1385566000, ClinGen allele CA397165433.

ClinVar aggregate classification (germline): Uncertain significance. Review status: criteria provided, single submitter (1 of 4 stars). 2 submissions from 2 submitters: Uncertain significance (1). 1 of the submissions does not count toward it. Last evaluated 2025-07-02.

Conditions:
Inborn genetic diseases. Identifiers: MedGen C0950123, MeSH D030342.
ANKRD11-related disorder. Also called: ANKRD11-related condition.

Allele frequency attached by ClinVar (database versions not stated): gnomAD exomes below 0.00001; gnomAD 0.00001.

Submissions (2):

Ambry Genetics
Classification: Uncertain significance for Inborn genetic diseases. Last evaluated: 2025-07-02. Review status: criteria provided, single submitter. Criteria: Ambry Variant Classification Scheme 2023. Collection method: clinical testing. Allele origin: germline.

PreventionGenetics, part of Exact Sciences
Classification: Uncertain significance for ANKRD11-related condition. Last evaluated: 2023-11-29. Review status: no assertion criteria provided. Collection method: clinical testing. Allele origin: germline. Not counted in ClinVar's aggregate classification.
Comment: The ANKRD11 c.1213C>T variant is predicted to result in the amino acid substitution p.Arg405Cys. To our knowledge, this variant has not been reported in the literature. This variant is reported in 0.013% of alleles in individuals of European (Non-Finnish) descent in gnomAD. At this time, the clinical significance of this variant is uncertain due to the absence of conclusive functional and genetic evidence.